The following is an entry in ClinVar:

NM_004304.5(ALK):c.419A>G (p.Gln140Arg)

Gene: ALK (ALK receptor tyrosine kinase; minus strand). Cytogenetic location: 2p23.1.
Variant type: single nucleotide variant.
Coding change: c.419A>G on transcript NM_004304.5 (MANE Select); coding-DNA position 419, A replaced by G.
Protein change: p.Gln140Arg; replaces glutamine 140 with arginine.
Molecular consequence: missense variant.
Genome position (GRCh38, 1-based): chr2:29,920,241, T>C on the plus strand (A>G on the coding strand, the complement: ALK is on the minus strand). VCF-style: chr2-29920241-T-C. GRCh37 (hg19) VCF-style: chr2-30143107-T-C.
Other names: short protein forms Q140R.
Identifiers: ClinVar variation 1057503 (VCV001057503.9), dbSNP rs2148443304, ClinGen allele CA346590085.
Genomic context (GRCh38, chr2:29,920,241, plus strand): 5'-TCCCCGGGGGGCCCGACGCAACCCTCCAAGATCGCCTCCTCGCCCAGCTCCAGCACCAAC[T>C]GCTTGGCACGCCGGAGCTTGCGCACGGAGCCGCCCTTCAGCACCCTGGACAGCGTCCGGG-3'
Protein context (NP_004295.2, residues 130-150): GSVRKLRRAK[Gln140Arg]LVLELGEEAI

ClinVar aggregate classification (germline): Uncertain significance (1 of 4 stars; one submission).

Conditions:
Neuroblastoma, susceptibility to, 3. Also called: ALK-Related Neuroblastic Tumor Susceptibility. Identifiers: Orphanet 635, MedGen C2751681, MONDO:0013083, OMIM 613014.

Submission:

Labcorp Genetics (formerly Invitae), Labcorp
Classification: Uncertain significance for Neuroblastoma, susceptibility to, 3. Last evaluated: 2020-08-14. Review status: criteria provided, single submitter. Criteria: Invitae Variant Classification Sherloc (09022015). Collection method: clinical testing. Allele origin: germline.
Comment: This variant is not present in population databases (ExAC no frequency). This sequence change replaces glutamine with arginine at codon 140 of the ALK protein (p.Gln140Arg). The glutamine residue is moderately conserved and there is a small physicochemical difference between glutamine and arginine. This variant has not been reported in the literature in individuals with ALK-related conditions. In summary, the available evidence is currently insufficient to determine the role of this variant in disease. Therefore, it has been classified as a Variant of Uncertain Significance. Algorithms developed to predict the effect of missense changes on protein structure and function are either unavailable or do not agree on the potential impact of this missense change (SIFT: "Deleterious"; PolyPhen-2: "Probably Damaging"; Align-GVGD: "Class C0").